The following is an entry in ClinVar:

NM_006468.8(POLR3C):c.1070+97G>T

Gene: POLR3C (RNA polymerase III subunit C; plus strand). Cytogenetic location: 1q21.1.
Variant type: single nucleotide variant.
Coding change: c.1070+97G>T on transcript NM_006468.8 (MANE Select); 97 bases into the intron after coding-DNA position 1070, G replaced by T.
Molecular consequence: intron variant.
Genome position (GRCh38, 1-based): chr1:145,837,693, G>T. VCF-style: chr1-145837693-G-T. GRCh37 (hg19) VCF-style: chr1-145597417-C-A.
Other names: c.1109+97G>T (NM_001303456.1).
Identifiers: ClinVar variation 2688086 (VCV002688086.2), dbSNP rs9728345, ClinGen allele CA10847540.

ClinVar aggregate classification (germline): Benign (1 of 4 stars; one submission).

Allele frequency attached by ClinVar (database versions not stated): 1000 Genomes Project 30x 0.20081; 1000 Genomes Project 0.20108; TOPMed 0.26905; gnomAD 0.28008.
gnomAD v4.1: 264,238 of 833,246 alleles (32%); highest among the groups gnomAD compares: Non-Finnish European, 36%; 45,514 homozygotes.

Submission:

Unidad de Genómica Garrahan, Hospital de Pediatría Garrahan
Classification: Benign. Last evaluated: 2024-01-24. Review status: criteria provided, single submitter. Criteria: ACMG Guidelines, 2015. Collection method: clinical testing. Allele origin: germline. Affected: no. Observed: 53 variant alleles.
Comment: This variant is classified as Benign based on local population frequency. This variant was detected in 56% of patients studied by a panel of primary immunodeficiencies. Number of patients: 53. Only high quality variants are reported.